The following is an entry in ClinVar:

ClinVar aggregate classification (germline): Uncertain significance (1 of 4 stars; one submission).

Allele frequency attached by ClinVar (database versions not stated): gnomAD exomes below 0.00001; TOPMed 0.00001.
gnomAD v4.1: 6 of 1,613,620 alleles (0.00037%); highest among the groups gnomAD compares: Non-Finnish European, 0.00042%; no homozygotes.

Submission:

Labcorp Genetics (formerly Invitae), Labcorp
Classification: Uncertain significance. Last evaluated: 2022-07-30. Review status: criteria provided, single submitter. Criteria: Invitae Variant Classification Sherloc (09022015). Collection method: clinical testing. Allele origin: germline.
Comment: In summary, the available evidence is currently insufficient to determine the role of this variant in disease. Therefore, it has been classified as a Variant of Uncertain Significance. Algorithms developed to predict the effect of missense changes on protein structure and function (SIFT, PolyPhen-2, Align-GVGD) all suggest that this variant is likely to be tolerated. This variant has not been reported in the literature in individuals affected with MCM4-related conditions. This variant is present in population databases (no rsID available, gnomAD no frequency). This sequence change replaces alanine, which is neutral and non-polar, with glycine, which is neutral and non-polar, at codon 848 of the MCM4 protein (p.Ala848Gly).

NM_182746.3(MCM4):c.2543C>G (p.Ala848Gly)

Gene: MCM4 (minichromosome maintenance complex component 4; plus strand). Cytogenetic location: 8q11.21.
Variant type: single nucleotide variant.
Coding change: c.2543C>G on transcript NM_182746.3 (MANE Select); coding-DNA position 2543, C replaced by G.
Protein change: p.Ala848Gly; replaces alanine 848 with glycine.
Molecular consequence: missense variant.
Genome position (GRCh38, 1-based): chr8:47,976,729, C>G. VCF-style: chr8-47976729-C-G. GRCh37 (hg19) VCF-style: chr8-48889289-C-G.
Other names: c.2543C>G, p.Ala848Gly (NM_005914.4); short protein forms A848G.
Identifiers: ClinVar variation 2004044 (VCV002004044.4), dbSNP rs1421670001, ClinGen allele CA371156714.
Genomic context (GRCh38, chr8:47,976,729, plus strand): 5'-CTTTCTCTTCCCCACAGGCAATTACTAAAGATATGTTTGAAGAAGCACTGCGTGCCCTGG[C>G]AGATGATGATTTCCTGACAGTGACTGGGAAGACCGTGCGCTTGCTCTGAAGCCTTGTGAG-3'
Protein context (NP_877423.1, residues 838-858): DMFEEALRAL[Ala848Gly]DDDFLTVTGK